The following is an entry in ClinVar:

ClinVar aggregate classification (germline): Likely pathogenic (1 of 4 stars; one submission).

Conditions:
ABCA4-related disorder. Also called: ABCA4-related condition; ABCA4-related disorders. Identifiers: MedGen CN239167.

Submission:

PreventionGenetics, part of Exact Sciences
Classification: Likely pathogenic for ABCA4-related condition. Last evaluated: 2025-08-24. Review status: criteria provided, single submitter. Criteria: ACMG Guidelines, 2015. Collection method: clinical testing. Allele origin: germline.
Comment: The ABCA4 c.2587G>T variant is predicted to result in premature protein termination (p.Gly863*). To our knowledge, this variant has not been reported in the literature or in a large population database (gnomAD), indicating this variant is rare. The c.2587G>T variant occurs at the end of the exon and is also predicted to affect splicing based on splicing prediction programs (SpliceAI, Jaganathan K, et al. 2019. PubMed ID: 30661751). However, the use of computer prediction programs is not equivalent to functional evidence. Nonsense variants in ABCA4 are expected to be pathogenic. This variant is interpreted as likely pathogenic.

NM_000350.3(ABCA4):c.2587G>T (p.Gly863Ter)

Gene: ABCA4 (ATP binding cassette subfamily A member 4; minus strand). Cytogenetic location: 1p22.1.
Variant type: single nucleotide variant.
Coding change: c.2587G>T on transcript NM_000350.3 (MANE Select); coding-DNA position 2587, G replaced by T.
Protein change: p.Gly863Ter; replaces glycine 863 with a stop codon.
Molecular consequence: nonsense.
Genome position (GRCh38, 1-based): chr1:94,055,111, C>A on the plus strand (G>T on the coding strand, the complement: ABCA4 is on the minus strand). VCF-style: chr1-94055111-C-A. GRCh37 (hg19) VCF-style: chr1-94520667-C-A.
Other names: c.2365G>T, p.Gly789Ter (NM_001425324.1); short protein forms G863*, G789*.
Identifiers: ClinVar variation 4994722 (VCV004994722.1).